The following is an entry in ClinVar:

ClinVar aggregate classification (germline): Uncertain significance. Review status: criteria provided, multiple submitters, no conflicts (2 of 4 stars). 6 submissions from 6 submitters: Uncertain significance (5). 1 of the submissions does not count toward it. Last evaluated 2025-04-13.

Conditions:
Hereditary cancer-predisposing syndrome. Also called: Hereditary Cancer Syndrome; Hereditary neoplastic syndrome; Neoplastic Syndromes, Hereditary; Tumor predisposition. Identifiers: Orphanet 140162, MedGen C0027672, MeSH D009386, MONDO:0015356.
Breast-ovarian cancer, familial, susceptibility to, 1 (BROVCA1). Also called: BRCA1 Hereditary Breast and Ovarian Cancer; OVARIAN CANCER, SUSCEPTIBILITY TO. Identifiers: Orphanet 145, MedGen C2676676, MONDO:0011450, OMIM 604370. Disease mechanism: loss of function.
Hereditary breast ovarian cancer syndrome. Also called: BRCA1- and BRCA2-Associated Hereditary Breast and Ovarian Cancer; Hereditary breast and ovarian cancer syndrome; Hereditary breast and ovarian cancer syndrome (HBOC); Breast and ovarian cancer; Hereditary breast and/or ovarian cancer syndrome; Hereditary breast and ovarian cancer. Identifiers: Orphanet 145, MedGen C0677776, MeSH D061325, MONDO:0003582. Disease mechanism: loss of function.

Submissions (6):

Ambry Genetics
Classification: Uncertain significance for Hereditary cancer-predisposing syndrome. Last evaluated: 2025-04-13. Review status: criteria provided, single submitter. Criteria: Ambry Variant Classification Scheme 2023. Collection method: clinical testing. Allele origin: germline.
Comment: The p.M1400T variant (also known as c.4199T>C), located in coding exon 11 of the BRCA1 gene, results from a T to C substitution at nucleotide position 4199. The methionine at codon 1400 is replaced by threonine, an amino acid with similar properties. Two functional studies assessing transcriptional activation reported normal levels of activity for this variant (Fernandes VC et al. J Biol Chem. 2019 Apr;294(15):5980-5992; Woods NT et al. NPJ Genom Med. 2016 Mar;1:16001-). In another functional study assessing heterodimerization with PALB2, this variant was reported to result in detectable, but reduced, binding affinity with PALB2 (Baker CNS et al. Protein Sci. 2025 Jan;34(1):e5240). This amino acid position is well conserved in available vertebrate species. In addition, this alteration is predicted to be deleterious by in silico analysis. Based on the available evidence, the clinical significance of this variant remains unclear.

Labcorp Genetics (formerly Invitae), Labcorp
Classification: Uncertain significance for Hereditary breast ovarian cancer syndrome. Last evaluated: 2023-08-03. Review status: criteria provided, single submitter. Criteria: Invitae Variant Classification Sherloc (09022015). Collection method: clinical testing. Allele origin: germline.
Comment: Experimental studies have shown that this missense change does not substantially affect BRCA1 function (PMID: 28781887, 30765603). In summary, the available evidence is currently insufficient to determine the role of this variant in disease. Therefore, it has been classified as a Variant of Uncertain Significance. Advanced modeling of protein sequence and biophysical properties (such as structural, functional, and spatial information, amino acid conservation, physicochemical variation, residue mobility, and thermodynamic stability) performed at Invitae indicates that this missense variant is expected to disrupt BRCA1 protein function. This sequence change replaces methionine, which is neutral and non-polar, with threonine, which is neutral and polar, at codon 1400 of the BRCA1 protein (p.Met1400Thr). This variant is not present in population databases (gnomAD no frequency). This missense change has been observed in individual(s) with clinical features of BRCA1-related conditions (PMID: 21520333). ClinVar contains an entry for this variant (Variation ID: 55138).

ARUP Laboratories, Molecular Genetics and Genomics, ARUP Laboratories
Classification: Uncertain significance. Last evaluated: 2021-04-23. Review status: criteria provided, single submitter. Criteria: ARUP Molecular Germline Variant Investigation Process 2021. Collection method: clinical testing. Allele origin: germline.
Comment: The BRCA1 c.4199T>C; p.Met1400Thr variant (rs80357473), to our knowledge, is not reported in the medical literature in association with disease but is reported in ClinVar (Variation ID: 55138). This variant is absent from the Genome Aggregation Database, indicating it is not a common polymorphism. The methionine at codon 1400 is highly conserved, and computational analyses are uncertain whether this variant is neutral or deleterious (REVEL: 0.276). Functional analyses of the variant protein show no significant effect on protein function (Woods 2016). Due to limited information, the clinical significance of the p.Met1400Thr variant is uncertain at this time. References: Woods NT et al. Functional assays provide a robust tool for the clinical annotation of genetic variants of uncertain significance. NPJ Genom Med. 2016;1:16001. PMID: 28781887.

Color Diagnostics, LLC DBA Color Health
Classification: Uncertain significance for Hereditary cancer-predisposing syndrome. Last evaluated: 2019-08-08. Review status: criteria provided, single submitter. Criteria: ACMG Guidelines, 2015. Collection method: clinical testing. Allele origin: germline.
Comment: This missense variant replaces methionine with threonine at codon 1400 of the BRCA1 protein. Computational prediction tools and conservation analyses are inconclusive regarding the impact of this variant on the protein function. Computational splicing tools suggest that this variant may not impact RNA splicing. To our knowledge, functional assays have not been performed for this variant nor has this variant been reported in individuals affected with hereditary cancer in the literature. This variant has not been identified in the general population by the Genome Aggregation Database (gnomAD). Available evidence is insufficient to determine the role of this variant in disease conclusively. Therefore, this variant is classified as a Variant of Uncertain Significance.

Quest Diagnostics Nichols Institute San Juan Capistrano
Classification: Uncertain significance. Last evaluated: 2018-03-20. Review status: criteria provided, single submitter. Criteria: Quest Diagnostics criteria. Collection method: clinical testing. Allele origin: germline.

Breast Cancer Information Core (BIC) (BRCA1)
Classification: Uncertain significance for Breast-ovarian cancer, familial 1. Last evaluated: 2003-12-23. Review status: no assertion criteria provided. Collection method: clinical testing. Allele origin: germline. Affected: yes. Observed: 1 variant allele. Not counted in ClinVar's aggregate classification.

Literature cited by the submitters: PubMed 28781887 (cited by Ambry Genetics and Labcorp Genetics (formerly Invitae), Labcorp); PubMed 30765603 (cited by Ambry Genetics and Labcorp Genetics (formerly Invitae), Labcorp); PubMed 39673470 (cited by Ambry Genetics); PubMed 21520333 (cited by Labcorp Genetics (formerly Invitae), Labcorp).

NM_007294.4(BRCA1):c.4199T>C (p.Met1400Thr)

Gene: BRCA1 (BRCA1 DNA repair associated; minus strand). Cytogenetic location: 17q21.31.
Variant type: single nucleotide variant.
Coding change: c.4199T>C on transcript NM_007294.4 (MANE Select); coding-DNA position 4199, T replaced by C.
Protein change: p.Met1400Thr; replaces methionine 1400 with threonine.
Molecular consequence: missense variant. On other transcripts: non-coding transcript variant (1).
Genome position (GRCh38, 1-based): chr17:43,082,562, A>G on the plus strand (T>C on the coding strand, the complement: BRCA1 is on the minus strand). VCF-style: chr17-43082562-A-G. GRCh37 (hg19) VCF-style: chr17-41234579-A-G.
Other names: c.4199T>C, p.Met1400Thr (NM_001407596.1, NM_001407597.1, NM_001407598.1 and 23 more transcripts); c.4196T>C, p.Met1399Thr (NM_001407610.1, NM_001407611.1, NM_001407612.1 and 21 more transcripts); c.4193T>C, p.Met1398Thr (NM_001407644.1, NM_001407645.1, NM_001407627.1 and 5 more transcripts); c.4187T>C, p.Met1396Thr (NM_001407646.1, NM_001407647.1); c.4076T>C, p.Met1359Thr (NM_001407648.1, NM_001407664.1, NM_001407665.1 and 13 more transcripts); c.4073T>C, p.Met1358Thr (NM_001407649.1, NM_001407670.1, NM_001407671.1 and 12 more transcripts); c.4121T>C, p.Met1374Thr (NM_001407653.1, NM_001407654.1, NM_001407655.1 and 2 more transcripts); c.4118T>C, p.Met1373Thr (NM_001407663.1, NM_001407656.1, NM_001407661.1 and 1 more transcripts); and 51 more; short protein forms M1400T, M1353T, M297T, M1333T, M1374T, M186T, M217T, M226T.
Identifiers: ClinVar variation 55138 (VCV000055138.26), dbSNP rs80357473, ClinGen allele CA002704.